The following is an entry in ClinVar:

ClinVar aggregate classification (germline): Likely benign (1 of 4 stars; one submission).

Conditions:
Maturity-onset diabetes of the young (MODY). Also called: Maturity onset diabetes mellitus in young. Identifiers: Orphanet 552, MedGen C0342276, MONDO:0018911, HP:0004904.

Allele frequency attached by ClinVar (database versions not stated): gnomAD exomes below 0.00001; gnomAD 0.00001; TOPMed 0.00001.
gnomAD v4.1: 6 of 1,613,314 alleles (0.00037%); highest among the groups gnomAD compares: East Asian, 0.0022%; no homozygotes.

Submission:

Clinical Genomics, Uppaluri K&H Personalized Medicine Clinic
Classification: Likely benign for Maturity-onset diabetes of the young. Review status: criteria provided, single submitter. Criteria: K & H Uppaluri Personalized Medicine Clinic Variant Classification & Assertion Criteria_Updated V.1. Collection method: research. Allele origin: unknown. Inheritance: Autosomal dominant inheritance.
Comment: HNF1B gene mutations are associated with early onset diabetes and pancreatic atrophy. It is also associated with multiple renal manifestations including renal cysts, Tubulointerstitial disease, glomerulocystic disease, renal hypoplasia, hypomagnesemia. However no sufficient evidence is found to ascertain the role of this particular variant rs775094591, yet.

Literature cited by the submitters: PubMed 24897035; PubMed 25536396; PubMed 27615128; PubMed 28215227; PubMed 33434175; PubMed 25741167; PubMed 26340261; PubMed 19639018.

NM_000458.4(HNF1B):c.1116C>T (p.Ser372=)

Gene: HNF1B (HNF1 homeobox B; minus strand). Cytogenetic location: 17q12.
Variant type: single nucleotide variant.
Coding change: c.1116C>T on transcript NM_000458.4 (MANE Select); coding-DNA position 1116, C replaced by T.
Protein change: p.Ser372=; no amino-acid change (serine 372 retained).
Molecular consequence: synonymous variant.
Genome position (GRCh38, 1-based): chr17:37,710,593, G>A on the plus strand (C>T on the coding strand, the complement: HNF1B is on the minus strand). VCF-style: chr17-37710593-G-A. GRCh37 (hg19) VCF-style: chr17-36070601-G-A.
Other names: c.1116C>T, p.Ser372= (NM_001411100.1); c.1038C>T, p.Ser346= (NM_001165923.4, NM_001304286.2).
Identifiers: ClinVar variation 1802534 (VCV001802534.1), dbSNP rs775094591, ClinGen allele CA8518896.